The following is an entry in ClinVar:

ClinVar aggregate classification (germline): Pathogenic (1 of 4 stars; one submission).

Conditions:
Familial cancer of breast. Also called: BREAST CANCER, FAMILIAL; hereditary breast carcinoma; Hereditary breast cancer. Identifiers: Orphanet 227535, MedGen C0346153, MONDO:0016419, OMIM 114480. Disease mechanism: loss of function.

Submission:

Labcorp Genetics (formerly Invitae), Labcorp
Classification: Pathogenic for Familial cancer of breast. Last evaluated: 2017-08-07. Review status: criteria provided, single submitter. Criteria: Invitae Variant Classification Sherloc (09022015). Collection method: clinical testing. Allele origin: germline.
Comment: This variant is a gross deletion of the genomic region encompassing exons 6-7 of the CHEK2 gene. This is expected to create a premature translational stop signal upstream of the last exon. Loss-of-function variants in CHEK2 are known to be pathogenic. Exons 6-7 deletion of CHEK2 has been reported in the literature in an individual affected with melanoma (PMID: 26681312). This deletion creates a frameshift and premature translation codon that likely results in either a complete loss of CHEK2 mRNA expression or a truncation missing 50% of the full-length CHEK2 protein, eliminating the nuclear localization signal and the serine/threonine kinase domain. These domains are required for CHEK2 protein function in DNA repair and cell-cycle regulation (PMID: 12909615, 12855706, 18004398, 11733767). For these reasons, this variant has been classified as Pathogenic.

NC_000022.11:g.(?_28710000)_(28712023_?)del

Gene: CHEK2 (checkpoint kinase 2; minus strand). Cytogenetic location: 22q12.1.
Variant type: Deletion.
Identifiers: ClinVar variation 460677 (VCV000460677.2).